The following is an entry in ClinVar:

NM_020247.5(COQ8A):c.811C>T (p.Arg271Cys)

Gene: COQ8A (coenzyme Q8A; plus strand). Cytogenetic location: 1q42.13.
Variant type: single nucleotide variant.
Coding change: c.811C>T on transcript NM_020247.5 (MANE Select); coding-DNA position 811, C replaced by T.
Protein change: p.Arg271Cys; replaces arginine 271 with cysteine.
Molecular consequence: missense variant.
Genome position (GRCh38, 1-based): chr1:226,982,107, C>T. VCF-style: chr1-226982107-C-T. GRCh37 (hg19) VCF-style: chr1-227169808-C-T.
Other names: short protein forms R271C.
Identifiers: ClinVar variation 296015 (VCV000296015.30), dbSNP rs145034527, ClinGen allele CA1425162.

ClinVar aggregate classification (germline): Pathogenic/Likely pathogenic. Review status: criteria provided, multiple submitters, no conflicts (2 of 4 stars). 13 submissions from 13 submitters: Pathogenic (5); Likely pathogenic (5). 3 of the submissions do not count toward it. Last evaluated 2025-08-25.

Conditions:
Autosomal recessive ataxia due to ubiquinone deficiency. Also called: SPINOCEREBELLAR ATAXIA, AUTOSOMAL RECESSIVE 9; Coenzyme Q10 deficiency, primary, 4. Identifiers: Orphanet 139485, MedGen C2677589, MONDO:0012784, OMIM 612016.

Allele frequency attached by ClinVar (database versions not stated): ESP Exome Variant Server 0.00008; gnomAD 0.00004 and 0.00005; ExAC 0.00013; TOPMed 0.00002; gnomAD exomes 0.00010.
gnomAD v4.1: 72 of 1,609,714 alleles (0.0045%); highest among the groups gnomAD compares: Non-Finnish European, 0.0027%; no homozygotes.

Submissions (13):

GeneDx
Classification: Pathogenic. Last evaluated: 2025-08-25. Review status: criteria provided, single submitter. Criteria: GeneDx Variant Classification Process June 2021. Collection method: clinical testing. Allele origin: germline. Affected: yes.
Comment: In silico analysis, which includes protein predictors and evolutionary conservation, supports a deleterious effect; Missense variants in nearby residues reported in the Human Gene Mutation Database (HGMD); This variant is associated with the following publications: (PMID: 34712575, 24164873, 26640698, 26757139, 29482223, 29915382, 30548255, 32637629, 34426522, 32337771, 22036850)

3billion
Classification: Pathogenic for Autosomal recessive ataxia due to ubiquinone deficiency. Last evaluated: 2025-04-04. Review status: criteria provided, single submitter. Criteria: ACMG Guidelines, 2015. Collection method: clinical testing. Allele origin: germline. Affected: yes.
Comment: The variant is observed at an extremely low frequency in the gnomAD v4.1.0 dataset (total allele frequency: 0.004%). Predicted Consequence/Location: Missense variant. In silico tool predictions suggest damaging effect of the variant on gene or gene product [REVEL: 0.79 (>=0.6, sensitivity 0.68 and specificity 0.92); 3Cnet: 0.99 (> 0.75, sensitivity 0.96 and precision 0.92)]. The same nucleotide change resulting in the same amino acid change has been previously reported as pathogenic/likely pathogenic with strong evidence (ClinVar ID: VCV000296015 / PMID: 22036850). The variant has been reported to be in trans with a pathogenic variant as either compound heterozygous or homozygous in at least one similarly affected unrelated individual (PMID: 26640698, 36295857). A different missense change at the same codon (p.Arg271His) has been reported to be associated with COQ8A-related disorder (ClinVar ID: VCV000931276 / PMID: 34663476).Therefore, this variant is classified as Pathogenic according to the recommendation of ACMG/AMP guideline.

Labcorp Genetics (formerly Invitae), Labcorp
Classification: Pathogenic. Last evaluated: 2024-11-28. Review status: criteria provided, single submitter. Criteria: Invitae Variant Classification Sherloc (09022015). Collection method: clinical testing. Allele origin: germline.
Comment: This sequence change replaces arginine, which is basic and polar, with cysteine, which is neutral and slightly polar, at codon 271 of the COQ8A protein (p.Arg271Cys). This variant is present in population databases (rs145034527, gnomAD 0.08%). This missense change has been observed in individual(s) with clinical features of primary coenzyme Q10 deficiency (PMID: 22036850, 29915382, 30548255, 32337771). In at least one individual the data is consistent with being in trans (on the opposite chromosome) from a pathogenic variant. It has also been observed to segregate with disease in related individuals. ClinVar contains an entry for this variant (Variation ID: 296015). Invitae Evidence Modeling of protein sequence and biophysical properties (such as structural, functional, and spatial information, amino acid conservation, physicochemical variation, residue mobility, and thermodynamic stability) has been performed for this missense variant. However, the output from this modeling did not meet the statistical confidence thresholds required to predict the impact of this variant on COQ8A protein function. Experimental studies have shown that this missense change affects COQ8A function (PMID: 32337771). For these reasons, this variant has been classified as Pathogenic.

Mayo Clinic Laboratories, Mayo Clinic
Classification: Pathogenic. Last evaluated: 2024-08-28. Review status: criteria provided, single submitter. Criteria: ACMG Guidelines, 2015. Collection method: clinical testing. Allele origin: germline. Observed: 1 variant allele.
Comment: PP1_strong, PP3, PM2, PM3, PS4_moderate

Centre for Inherited Metabolic Diseases, Karolinska University Hospital
Classification: Pathogenic for Autosomal recessive ataxia due to ubiquinone deficiency. Last evaluated: 2024-03-20. Review status: criteria provided, single submitter. Criteria: ACMG Guidelines, 2015. Collection method: clinical testing. Allele origin: inherited. Inheritance: Autosomal recessive inheritance. Affected: yes. Observed: 1 compound heterozygote.

Revvity Omics, Revvity
Classification: Likely pathogenic for Autosomal recessive ataxia due to ubiquinone deficiency. Last evaluated: 2023-05-24. Review status: criteria provided, single submitter. Criteria: ACMG Guidelines, 2015. Collection method: clinical testing. Allele origin: germline.

Athena Diagnostics
Classification: Likely pathogenic. Last evaluated: 2021-09-21. Review status: criteria provided, single submitter. Criteria: Athena Diagnostics Criteria. Collection method: clinical testing. Allele origin: unknown.
Comment: The frequency of this variant in the general population is consistent with pathogenicity. This variant appears to segregate with disease in at least one family. Assessment of experimental evidence regarding the effect of this variant on protein function is inconclusive. The results of an in vitro E. coli expression model suggest that this variant has a damaging effect on protein stability and folding, however additional research is needed to confirm these findings (PMID: 32337771). Computational tools predict that this variant is damaging.

Laboratorio de Genetica e Diagnostico Molecular, Hospital Israelita Albert Einstein
Classification: Likely pathogenic. Last evaluated: 2019-11-14. Review status: criteria provided, single submitter. Criteria: ACMG Guidelines, 2015. Collection method: clinical testing. Allele origin: germline. Affected: yes.
Comment: ACMG classification criteria: PS4, PM2, PM3, PP3

Illumina Laboratory Services, Illumina
Classification: Likely pathogenic for Autosomal recessive ataxia due to ubiquinone deficiency. Last evaluated: 2018-05-07. Review status: criteria provided, single submitter. Criteria: ICSL Variant Classification Criteria 09 May 2019. Collection method: clinical testing. Allele origin: germline.
Comment: The ADCK3 c.811C>T (p.Arg271Cys) missense variant has been reported in three studies in which it is found in at least four individuals with ataxia including in a homozygous state in one individual, in a compound heterozygous state in at least three individuals including two siblings (Horvath et al. 2012; Mignot et al. 2013; Bargiela et al. 2015). The p.Arg271Cys variant was absent from 100 healthy controls and is reported at a frequency of 0.00139 in the European (Finnish) population of the Exome Aggregation Consortium. The Arg271 residue is conserved across vertebrates. Based on the evidence, the p.Arg271Cys variant is classified as likely pathogenic for coenzyme Q10 deficiency, spinocerebellar ataxia type. This variant was observed by ICSL as part of a predisposition screen in an ostensibly healthy population.

Genetic Services Laboratory, University of Chicago
Classification: Likely pathogenic for Coenzyme Q10 deficiency, primary, 4. Last evaluated: 2016-09-06. Review status: criteria provided, single submitter. Criteria: ACMG Guidelines, 2015. Collection method: clinical testing. Allele origin: germline. Affected: yes.

GeneReviews
No classification provided. Condition: Autosomal recessive ataxia due to ubiquinone deficiency. Review status: no classification provided. Collection method: literature only. Allele origin: germline. Not counted in ClinVar's aggregate classification.

Eurofins Ntd Llc (ga)
Classification: Uncertain significance. Last evaluated: 2016-10-05. Review status: flagged submission. Criteria: EGL Classification Definitions 2015. Collection method: clinical testing. Allele origin: germline. Observed: 1 variant allele, 1 heterozygote. Not counted in ClinVar's aggregate classification.
ClinVar note: Reason: Older and outlier claim with insufficient supporting evidence

Equipe Genetique des Anomalies du Developpement, Université de Bourgogne
Classification: Uncertain significance for Autosomal recessive ataxia due to ubiquinone deficiency. Last evaluated: 2014-01-01. Review status: flagged submission. Criteria: ACMG Guidelines, 2007. Collection method: clinical testing. Allele origin: inherited. Affected: yes. Not counted in ClinVar's aggregate classification.
ClinVar note: Reason: Claim with insufficient supporting evidence

Literature cited by the submitters: PubMed 34663476 (cited by 3billion); PubMed 26640698 (cited by 4 submitters); PubMed 36295857 (cited by 3billion and Mayo Clinic Laboratories, Mayo Clinic); PubMed 22036850 (cited by 5 submitters); PubMed 29915382 (cited by 3 submitters); PubMed 30548255 (cited by 3 submitters); PubMed 32337771 (cited by 3 submitters); PubMed 24164873 (cited by 3 submitters); PubMed 29482223 (cited by Mayo Clinic Laboratories, Mayo Clinic and Athena Diagnostics); PubMed 32637629 (cited by Mayo Clinic Laboratories, Mayo Clinic and Athena Diagnostics); PubMed 34712575 (cited by Mayo Clinic Laboratories, Mayo Clinic); PubMed 38570878 (cited by Mayo Clinic Laboratories, Mayo Clinic); PubMed 31621627 (cited by Athena Diagnostics); PubMed 30968303 (cited by Athena Diagnostics); NCBI Bookshelf NBK410087 (cited by GeneReviews).